The following is an entry in ClinVar:

NM_001291303.3(FAT4):c.4481T>G (p.Leu1494Trp)

Gene: FAT4 (FAT atypical cadherin 4; plus strand). Cytogenetic location: 4q28.1.
Variant type: single nucleotide variant.
Coding change: c.4481T>G on transcript NM_001291303.3 (MANE Select); coding-DNA position 4481, T replaced by G.
Protein change: p.Leu1494Trp; replaces leucine 1494 with tryptophan.
Molecular consequence: missense variant.
Genome position (GRCh38, 1-based): chr4:125,320,892, T>G. VCF-style: chr4-125320892-T-G. GRCh37 (hg19) VCF-style: chr4-126242047-T-G.
Other names: c.4481T>G, p.Leu1494Trp (NM_001291285.3, NM_024582.6); short protein forms L1494W.
Identifiers: ClinVar variation 1308379 (VCV001308379.2), dbSNP rs1327226148, ClinGen allele CA358126588.

ClinVar aggregate classification (germline): Uncertain significance (1 of 4 stars; one submission).

Submission:

GeneDx
Classification: Uncertain significance. Last evaluated: 2019-03-29. Review status: criteria provided, single submitter. Criteria: GeneDx Variant Classification Process June 2021. Collection method: clinical testing. Allele origin: germline. Affected: yes.
Comment: Not observed in large population cohorts (Lek et al., 2016); In silico analysis, which includes protein predictors and evolutionary conservation, supports a deleterious effect; Has not been previously published as pathogenic or benign to our knowledge